The following is an entry in ClinVar:

NM_178161.3(PTF1A):c.956A>G (p.Glu319Gly)

Gene: PTF1A (pancreas associated transcription factor 1a; plus strand). Cytogenetic location: 10p12.2.
Variant type: single nucleotide variant.
Coding change: c.956A>G on transcript NM_178161.3 (MANE Select); coding-DNA position 956, A replaced by G.
Protein change: p.Glu319Gly; replaces glutamic acid 319 with glycine.
Molecular consequence: missense variant.
Genome position (GRCh38, 1-based): chr10:23,193,875, A>G. VCF-style: chr10-23193875-A-G. GRCh37 (hg19) VCF-style: chr10-23482804-A-G.
Other names: short protein forms E319G.
Identifiers: ClinVar variation 2076687 (VCV002076687.4), dbSNP rs1156907709, ClinGen allele CA376263913.

ClinVar aggregate classification (germline): Uncertain significance (1 of 4 stars; one submission).

Allele frequency attached by ClinVar (database versions not stated): gnomAD 0.00001; TOPMed 0.00001; gnomAD exomes 0.00001.
gnomAD v4.1: 13 of 1,613,998 alleles (0.00081%); highest among the groups gnomAD compares: African/African-American, 0.0027%; no homozygotes.

Submission:

Labcorp Genetics (formerly Invitae), Labcorp
Classification: Uncertain significance. Last evaluated: 2022-03-20. Review status: criteria provided, single submitter. Criteria: Invitae Variant Classification Sherloc (09022015). Collection method: clinical testing. Allele origin: germline.
Comment: In summary, the available evidence is currently insufficient to determine the role of this variant in disease. Therefore, it has been classified as a Variant of Uncertain Significance. Algorithms developed to predict the effect of missense changes on protein structure and function are either unavailable or do not agree on the potential impact of this missense change (SIFT: "Deleterious"; PolyPhen-2: "Not Available"; Align-GVGD: "Class C65"). This variant has not been reported in the literature in individuals affected with PTF1A-related conditions. This variant is present in population databases (no rsID available, gnomAD 0.0009%). This sequence change replaces glutamic acid, which is acidic and polar, with glycine, which is neutral and non-polar, at codon 319 of the PTF1A protein (p.Glu319Gly).